The following is an entry in ClinVar:

NM_006206.6(PDGFRA):c.227A>G (p.Asn76Ser)

Gene: PDGFRA (platelet derived growth factor receptor alpha; plus strand). Cytogenetic location: 4q12.
Variant type: single nucleotide variant.
Coding change: c.227A>G on transcript NM_006206.6 (MANE Select); coding-DNA position 227, A replaced by G.
Protein change: p.Asn76Ser; replaces asparagine 76 with serine.
Molecular consequence: missense variant.
Genome position (GRCh38, 1-based): chr4:54,261,272, A>G. VCF-style: chr4-54261272-A-G. GRCh37 (hg19) VCF-style: chr4-55127439-A-G.
Other names: c.227A>G, p.Asn76Ser (NM_001347827.2, NM_001347829.2); c.302A>G, p.Asn101Ser (NM_001347828.2); c.266A>G, p.Asn89Ser (NM_001347830.2); short protein forms N76S, N89S, N101S.
Identifiers: ClinVar variation 528621 (VCV000528621.9), dbSNP rs1553902415, ClinGen allele CA356888554.

ClinVar aggregate classification (germline): Uncertain significance (1 of 4 stars; one submission).

Conditions:
Gastrointestinal stromal tumor. Also called: Gastrointestinal stroma tumor; Gastrointestinal stromal tumor, somatic. Identifiers: Orphanet 44890, MedGen C0238198, MeSH D046152, MONDO:0011719, OMIM 606764, HP:0100723.

Submission:

Labcorp Genetics (formerly Invitae), Labcorp
Classification: Uncertain significance for Gastrointestinal stromal tumor. Last evaluated: 2023-01-10. Review status: criteria provided, single submitter. Criteria: Invitae Variant Classification Sherloc (09022015). Collection method: clinical testing. Allele origin: germline.
Comment: This variant has not been reported in the literature in individuals affected with PDGFRA-related conditions. This variant is not present in population databases (gnomAD no frequency). This sequence change replaces asparagine, which is neutral and polar, with serine, which is neutral and polar, at codon 76 of the PDGFRA protein (p.Asn76Ser). ClinVar contains an entry for this variant (Variation ID: 528621). In summary, the available evidence is currently insufficient to determine the role of this variant in disease. Therefore, it has been classified as a Variant of Uncertain Significance. Advanced modeling of protein sequence and biophysical properties (such as structural, functional, and spatial information, amino acid conservation, physicochemical variation, residue mobility, and thermodynamic stability) performed at Invitae indicates that this missense variant is not expected to disrupt PDGFRA protein function.